The following is an entry in ClinVar:

NM_174934.4(SCN4B):c.*987_*989dup

Gene: SCN4B (sodium voltage-gated channel beta subunit 4; minus strand). Cytogenetic location: 11q23.3.
Variant type: Duplication.
Coding change: c.*987_*989dup on transcript NM_174934.4 (MANE Select); 987 bases downstream of the stop codon through 989 bases downstream of the stop codon, 3 bases duplicated (CCC; older notation c.*987_*989dupCCC).
Molecular consequence: 3 prime UTR variant. On other transcripts: non-coding transcript variant (1).
Genome position (GRCh38, 1-based): chr11:118,136,038-118,136,040, GGG duplicated on the plus strand (CCC on the coding strand, the reverse complement: SCN4B is on the minus strand); duplicating any 3 consecutive bases within chr11:118,136,038-118,136,048 gives the same sequence; the c. name uses the placement nearest the transcript's 3' end. VCF-style (leftmost placement, unchanged base first): chr11-118136037-T-TGGG. GRCh37 (hg19) VCF-style: chr11-118006752-T-TGGG.
Other names: c.*987_*989dup (NM_001142348.2, NM_001142349.2).
Identifiers: ClinVar variation 2642411 (VCV002642411.24), dbSNP rs5795117, ClinGen allele CA601869263.
Genomic context (GRCh38, chr11:118,136,037, plus strand): 5'-CCCTTGACCCAGGGCTGGGAAATGAACCACCCTGGGGGCAGGGCGTGATGGAGGGCACGG[T>TGGG]GGGGGGGGGGGAGCGAGCCAATGGGAGGTTGGAGGGTGCAGCCTCTCAGGTAGGAGGGGG-3'

ClinVar aggregate classification (germline): Benign (1 of 4 stars; one submission).

Submission:

CeGaT Center for Human Genetics Tuebingen
Classification: Benign. Last evaluated: 2022-09-01. Review status: criteria provided, single submitter. Criteria: CeGaT Center For Human Genetics Tuebingen Variant Classification Criteria Version 2. Collection method: clinical testing. Allele origin: germline. Affected: yes. Observed: 1 variant allele.
Comment: SCN4B: BS1, BS2